The following is an entry in ClinVar:

ClinVar aggregate classification (germline): Likely benign. Review status: criteria provided, multiple submitters, no conflicts (2 of 4 stars). 2 submissions from 2 submitters: Likely benign (2). Last evaluated 2024-09-01.

Allele frequency attached by ClinVar (database versions not stated): gnomAD 0.00001; TOPMed 0.00001.
gnomAD v4.1: 12 of 1,613,562 alleles (0.00074%); highest among the groups gnomAD compares: African/African-American, 0.0027%; no homozygotes.

Submissions (2):

CeGaT Center for Human Genetics Tuebingen
Classification: Likely benign. Last evaluated: 2024-09-01. Review status: criteria provided, single submitter. Criteria: CeGaT Center For Human Genetics Tuebingen Variant Classification Criteria Version 2. Collection method: clinical testing. Allele origin: germline. Affected: yes. Observed: 1 variant allele.
Comment: CYFIP2: BP4, BP7

Labcorp Genetics (formerly Invitae), Labcorp
Classification: Likely benign. Last evaluated: 2024-05-15. Review status: criteria provided, single submitter. Criteria: Invitae Variant Classification Sherloc (09022015). Collection method: clinical testing. Allele origin: germline.

NM_001037333.3(CYFIP2):c.1218C>T (p.His406=)

Gene: CYFIP2 (cytoplasmic FMR1 interacting protein 2; plus strand). Cytogenetic location: 5q33.3.
Variant type: single nucleotide variant.
Coding change: c.1218C>T on transcript NM_001037333.3 (MANE Select); coding-DNA position 1218, C replaced by T.
Protein change: p.His406=; no amino-acid change (histidine 406 retained).
Molecular consequence: synonymous variant.
Genome position (GRCh38, 1-based): chr5:157,314,451, C>T. VCF-style: chr5-157314451-C-T. GRCh37 (hg19) VCF-style: chr5-156741459-C-T.
Other names: c.1140C>T, p.His380= (NM_001291721.2); c.1218C>T, p.His406= (NM_001291722.2, NM_014376.4).
Identifiers: ClinVar variation 2884773 (VCV002884773.17), dbSNP rs1459779106, ClinGen allele CA447432476.